The following is an entry in ClinVar:

NM_000070.3(CAPN3):c.814A>T (p.Met272Leu)

Gene: CAPN3 (calpain 3; plus strand). Cytogenetic location: 15q15.1.
Variant type: single nucleotide variant.
Coding change: c.814A>T on transcript NM_000070.3 (MANE Select); coding-DNA position 814, A replaced by T.
Protein change: p.Met272Leu; replaces methionine 272 with leucine.
Molecular consequence: missense variant. On other transcripts: intron variant (1).
Genome position (GRCh38, 1-based): chr15:42,389,965, A>T. VCF-style: chr15-42389965-A-T. GRCh37 (hg19) VCF-style: chr15-42682163-A-T.
Other names: c.814A>T, p.Met272Leu (NM_024344.2); c.801+869A>T (NM_173087.2); short protein forms M272L.
Identifiers: ClinVar variation 3705955 (VCV003705955.2).
Genomic context (GRCh38, chr15:42,389,965, plus strand): 5'-TTCTCTCCCTCCCCTGTGTTGTTCCCTACATTCTCCATCGGGCCTCAGGATGGCACGAAC[A>T]TGACCTATGGAACCTCTCCTTCTGGTCTGAACATGGGGGAGTTGATTGCACGGATGGTAA-3'
Protein context (NP_000061.1, residues 262-282): MGCSIDDGTN[Met272Leu]TYGTSPSGLN

ClinVar aggregate classification (germline): Uncertain significance (1 of 4 stars; one submission).

Conditions:
Autosomal recessive limb-girdle muscular dystrophy type 2A (LGMDR1). Also called: Calpainopathy; Muscular dystrophy, limb-girdle, type 2A, Amish; LEYDEN-MOEBIUS MUSCULAR DYSTROPHY; MUSCULAR DYSTROPHY, PELVOFEMORAL; Limb-girdle muscular dystrophy, type 2A. Identifiers: Orphanet 267, MedGen C1869123, MONDO:0009675, OMIM 253600. Disease mechanism: loss of function.

gnomAD v4.1: 2 of 1,613,972 alleles (0.00012%); highest among the groups gnomAD compares: African/African-American, 0.0027%; no homozygotes.

Submission:

Labcorp Genetics (formerly Invitae), Labcorp
Classification: Uncertain significance for Autosomal recessive limb-girdle muscular dystrophy type 2A. Last evaluated: 2024-10-12. Review status: criteria provided, single submitter. Criteria: Invitae Variant Classification Sherloc (09022015). Collection method: clinical testing. Allele origin: germline.
Comment: This sequence change replaces methionine, which is neutral and non-polar, with leucine, which is neutral and non-polar, at codon 272 of the CAPN3 protein (p.Met272Leu). This variant is present in population databases (rs373936933, gnomAD 0.008%). This variant has not been reported in the literature in individuals affected with CAPN3-related conditions. Invitae Evidence Modeling of protein sequence and biophysical properties (such as structural, functional, and spatial information, amino acid conservation, physicochemical variation, residue mobility, and thermodynamic stability) has been performed for this missense variant. However, the output from this modeling did not meet the statistical confidence thresholds required to predict the impact of this variant on CAPN3 protein function. In summary, the available evidence is currently insufficient to determine the role of this variant in disease. Therefore, it has been classified as a Variant of Uncertain Significance.